The following is an entry in ClinVar:

ClinVar aggregate classification (germline): Likely benign. Review status: criteria provided, multiple submitters, no conflicts (2 of 4 stars). 4 submissions from 4 submitters: Likely benign (4). Last evaluated 2026-08-01.

Submissions (4):

CeGaT Center for Human Genetics Tuebingen
Classification: Likely benign. Last evaluated: 2026-08-01. Review status: criteria provided, single submitter. Criteria: CeGaT Center For Human Genetics Tuebingen Variant Classification Criteria Version 2. Collection method: clinical testing. Allele origin: germline. Affected: yes. Observed: 36 variant alleles.
Comment: DMXL2: BS1

Labcorp Genetics (formerly Invitae), Labcorp
Classification: Likely benign. Last evaluated: 2026-02-03. Review status: criteria provided, single submitter. Criteria: Invitae Variant Classification Sherloc (09022015). Collection method: clinical testing. Allele origin: germline.

Blueprint Genetics
Classification: Likely benign. Last evaluated: 2024-11-20. Review status: criteria provided, single submitter. Criteria: ACMG Guidelines, 2015. Collection method: clinical testing. Allele origin: germline.

Mayo Clinic Laboratories, Mayo Clinic
Classification: Likely benign. Last evaluated: 2024-06-17. Review status: criteria provided, single submitter. Criteria: ACMG Guidelines, 2015. Collection method: clinical testing. Allele origin: germline. Observed: 4 variant alleles.
Comment: BP4, BP7

NM_001378457.1(DMXL2):c.88-18_88-3dup

Gene: DMXL2 (Dmx like 2; minus strand). Cytogenetic location: 15q21.2.
Variant type: Duplication.
Coding change: c.88-18_88-3dup on transcript NM_001378457.1 (MANE Select); 18 bases into the intron before coding-DNA position 88 through 3 bases into the intron before coding-DNA position 88, 16 bases duplicated (TTTTTTTTTTTTTTTT).
Molecular consequence: intron variant.
Genome position (GRCh38, 1-based): chr15:51,576,184-51,576,199, AAAAAAAAAAAAAAAA duplicated on the plus strand (TTTTTTTTTTTTTTTT on the coding strand, the reverse complement: DMXL2 is on the minus strand); duplicating any 16 consecutive bases within chr15:51,576,184-51,576,203 gives the same sequence; the c. name uses the placement nearest the transcript's 3' end. VCF-style (leftmost placement, unchanged base first): chr15-51576183-T-TAAAAAAAAAAAAAAAA. GRCh37 (hg19) VCF-style: chr15-51868380-T-TAAAAAAAAAAAAAAAA.
Other names: p.?; c.88-18_88-3dup (NM_001174116.2, NM_001378460.1, NM_001174117.3 and 8 more transcripts).
Identifiers: ClinVar variation 1654774 (VCV001654774.34), dbSNP rs3078066, ClinGen allele CA490511876.
Genomic context (GRCh38, chr15:51,576,183, plus strand): 5'-ATCTGTACACATTCAAAGTCATTTGCCAAAATAACAATATCACAGCCTGATCCATATGCC[T>TAAAAAAAAAAAAAAAA]AAAAAAAAAAAAAAAAAAAAGTTTTACAATACATAAGATATGTAACTTTTGAAATCTTAT-3'